The following is an entry in ClinVar:

ClinVar aggregate classification (germline): Conflicting classifications of pathogenicity. Review status: criteria provided, conflicting classifications (1 of 4 stars). 3 submissions from 3 submitters: Uncertain significance (1); Benign (1); Likely benign (1). Last evaluated 2025-06-11.

Conditions:
Primary ciliary dyskinesia. Also called: Ciliary dyskinesia. Identifiers: Orphanet 244, MedGen C0008780, MONDO:0016575, HP:0012265.

Allele frequency attached by ClinVar (database versions not stated): ExAC 0.00001; TOPMed 0.00001; gnomAD 0.00002 and 0.00003.
gnomAD v4.1: 20 of 1,613,328 alleles (0.0012%); highest among the groups gnomAD compares: East Asian, 0.0045%; no homozygotes.

Submissions (3):

Labcorp Genetics (formerly Invitae), Labcorp
Classification: Benign for Primary ciliary dyskinesia. Last evaluated: 2025-06-11. Review status: criteria provided, single submitter. Criteria: Invitae Variant Classification Sherloc (09022015). Collection method: clinical testing. Allele origin: germline.

Ambry Genetics
Classification: Uncertain significance for Primary ciliary dyskinesia. Last evaluated: 2024-02-17. Review status: criteria provided, single submitter. Criteria: Ambry Variant Classification Scheme 2023. Collection method: clinical testing. Allele origin: germline.

Laboratorio de Genetica e Diagnostico Molecular, Hospital Israelita Albert Einstein
Classification: Likely benign. Last evaluated: 2019-11-26. Review status: criteria provided, single submitter. Criteria: ACMG Guidelines, 2015. Collection method: clinical testing. Allele origin: germline. Affected: yes.
Comment: ACMG classification criteria: PM2, BP1, BP4

NM_001277115.2(DNAH11):c.1084G>A (p.Ala362Thr)

Gene: DNAH11 (dynein axonemal heavy chain 11; plus strand). Cytogenetic location: 7p15.3.
Variant type: single nucleotide variant.
Coding change: c.1084G>A on transcript NM_001277115.2 (MANE Select); coding-DNA position 1084, G replaced by A.
Protein change: p.Ala362Thr; replaces alanine 362 with threonine.
Molecular consequence: missense variant.
Genome position (GRCh38, 1-based): chr7:21,564,287, G>A. VCF-style: chr7-21564287-G-A. GRCh37 (hg19) VCF-style: chr7-21603905-G-A.
Other names: c.1084G>A (NM_001277115.1); short protein forms A362T.
Identifiers: ClinVar variation 1426992 (VCV001426992.9), dbSNP rs771256529, ClinGen allele CA4178896.